The following is an entry in ClinVar:

NM_000133.4(F9):c.1217C>G (p.Ser406Ter)

Gene: F9 (coagulation factor IX; plus strand). Cytogenetic location: Xq27.1.
Variant type: single nucleotide variant.
Coding change: c.1217C>G on transcript NM_000133.4 (MANE Select); coding-DNA position 1217, C replaced by G.
Protein change: p.Ser406Ter; replaces serine 406 with a stop codon.
Molecular consequence: nonsense.
Genome position (GRCh38, 1-based): chrX:139,561,902, C>G. VCF-style: chrX-139561902-C-G. GRCh37 (hg19) VCF-style: chrX-138644061-C-G.
Other names: c.1103C>G, p.Ser368Ter (NM_001313913.2); short protein forms S368*, S406*.
Identifiers: ClinVar variation 3759692 (VCV003759692.2).

ClinVar aggregate classification (germline): Pathogenic (1 of 4 stars; one submission).

Conditions:
Thrombophilia, X-linked, due to factor 9 defect. Identifiers: MedGen C2749016, MONDO:0010432, OMIM 300807.
Hereditary factor IX deficiency disease (HEMB). Also called: Christmas Disease; F9 DEFICIENCY; FACTOR IX DEFICIENCY; PLASMA THROMBOPLASTIN COMPONENT DEFICIENCY; Hemophilia B. Identifiers: Orphanet 98879, MedGen C0008533, MeSH D002836, MONDO:0010604, OMIM 306900.

Submission:

Labcorp Genetics (formerly Invitae), Labcorp
Classification: Pathogenic for Thrombophilia, X-linked, due to factor 9 defect; Hereditary factor IX deficiency disease. Last evaluated: 2024-05-25. Review status: criteria provided, single submitter. Criteria: Invitae Variant Classification Sherloc (09022015). Collection method: clinical testing. Allele origin: germline.
Comment: This sequence change creates a premature translational stop signal (p.Ser406*) in the F9 gene. While this is not anticipated to result in nonsense mediated decay, it is expected to disrupt the last 56 amino acid(s) of the F9 protein. This variant is not present in population databases (gnomAD no frequency). This premature translational stop signal has been observed in individual(s) with hemophilia B (PMID: 8217825). This variant disrupts a region of the F9 protein in which other variant(s) (p.Trp453*) have been determined to be pathogenic (PMID: 7937052, 22103590; Invitae). This suggests that this is a clinically significant region of the protein, and that variants that disrupt it are likely to be disease-causing. For these reasons, this variant has been classified as Pathogenic.

Literature cited by the submitters: PubMed 8217825; PubMed 7937052; PubMed 22103590.